The following is an entry in ClinVar:

ClinVar aggregate classification (germline): Uncertain significance. Review status: criteria provided, multiple submitters, no conflicts (2 of 4 stars). 8 submissions from 8 submitters: Uncertain significance (8). Last evaluated 2026-05-18.

Conditions:
NPHP4-related disorder. Also called: NPHP4-related condition; NPHP4-related disorders. Identifiers: MedGen CN239384.
Inborn genetic diseases. Identifiers: MedGen C0950123, MeSH D030342.
Nephronophthisis. Also called: Juvenile Nephronophthisis. Identifiers: Orphanet 655, MedGen C0687120, MONDO:0019005, HP:0000090.
Senior-Loken syndrome 4 (SLSN4). Identifiers: Orphanet 3156, MedGen C1846979, MONDO:0011756, OMIM 606996.
Nephronophthisis 4 (NPHP4). Also called: NEPHRONOPHTHISIS 4, JUVENILE. Identifiers: Orphanet 655, MedGen C1847013, MONDO:0011752, OMIM 606966.

Allele frequency attached by ClinVar (database versions not stated): ExAC 0.00006; gnomAD 0.00006; TOPMed 0.00007; gnomAD exomes 0.00008.
gnomAD v4.1: 99 of 1,612,530 alleles (0.0061%); highest among the groups gnomAD compares: South Asian, 0.02%; 1 homozygote.

Submissions (8):

PreventionGenetics, part of Exact Sciences
Classification: Uncertain significance for NPHP4-related condition. Last evaluated: 2026-05-18. Review status: criteria provided, single submitter. Criteria: ACMG Guidelines, 2015. Collection method: clinical testing. Allele origin: germline.
Comment: The NPHP4 c.2939C>T variant is predicted to result in the amino acid substitution p.Thr980Met. To our knowledge, this variant has not been reported in the literature. This variant is reported in 0.038% of alleles in individuals of European (Finnish) descent in gnomAD. At this time, the clinical significance of this variant is uncertain due to the absence of conclusive functional and genetic evidence.

Ambry Genetics
Classification: Uncertain significance for Inborn genetic diseases. Last evaluated: 2025-05-28. Review status: criteria provided, single submitter. Criteria: Ambry Variant Classification Scheme 2023. Collection method: clinical testing. Allele origin: germline.

Blueprint Genetics
Classification: Uncertain significance. Last evaluated: 2024-11-22. Review status: criteria provided, single submitter. Criteria: ACMG Guidelines, 2015. Collection method: clinical testing. Allele origin: germline.

Fulgent Genetics
Classification: Uncertain significance for Nephronophthisis 4; Senior-Loken syndrome 4. Last evaluated: 2024-03-25. Review status: criteria provided, single submitter. Criteria: ACMG Guidelines, 2015. Collection method: clinical testing. Allele origin: germline.

CeGaT Center for Human Genetics Tuebingen
Classification: Uncertain significance. Last evaluated: 2024-02-01. Review status: criteria provided, single submitter. Criteria: CeGaT Center For Human Genetics Tuebingen Variant Classification Criteria Version 2. Collection method: clinical testing. Allele origin: germline. Affected: yes. Observed: 1 variant allele.

Labcorp Genetics (formerly Invitae), Labcorp
Classification: Uncertain significance for Nephronophthisis. Last evaluated: 2022-10-04. Review status: criteria provided, single submitter. Criteria: Invitae Variant Classification Sherloc (09022015). Collection method: clinical testing. Allele origin: germline.
Comment: This sequence change replaces threonine, which is neutral and polar, with methionine, which is neutral and non-polar, at codon 980 of the NPHP4 protein (p.Thr980Met). This variant is present in population databases (rs199645515, gnomAD 0.03%). This variant has not been reported in the literature in individuals affected with NPHP4-related conditions. ClinVar contains an entry for this variant (Variation ID: 289035). Advanced modeling of protein sequence and biophysical properties (such as structural, functional, and spatial information, amino acid conservation, physicochemical variation, residue mobility, and thermodynamic stability) performed at Invitae indicates that this missense variant is expected to disrupt NPHP4 protein function. In summary, the available evidence is currently insufficient to determine the role of this variant in disease. Therefore, it has been classified as a Variant of Uncertain Significance.

Genomic Research Center, Shahid Beheshti University of Medical Sciences
Classification: Uncertain significance. Last evaluated: 2019-04-27. Review status: criteria provided, single submitter. Criteria: ACMG Guidelines, 2015. Collection method: clinical testing. Allele origin: unknown. Affected: no.

Eurofins Ntd Llc (ga)
Classification: Uncertain significance. Last evaluated: 2016-06-21. Review status: criteria provided, single submitter. Criteria: EGL Classification Definitions 2015. Collection method: clinical testing. Allele origin: germline. Observed: 1 variant allele, 1 heterozygote.

NM_015102.5(NPHP4):c.2939C>T (p.Thr980Met)

Gene: NPHP4 (nephrocystin 4; minus strand). Cytogenetic location: 1p36.31.
Variant type: single nucleotide variant.
Coding change: c.2939C>T on transcript NM_015102.5 (MANE Select); coding-DNA position 2939, C replaced by T.
Protein change: p.Thr980Met; replaces threonine 980 with methionine.
Molecular consequence: missense variant. On other transcripts: non-coding transcript variant (1).
Genome position (GRCh38, 1-based): chr1:5,874,979, G>A on the plus strand (C>T on the coding strand, the complement: NPHP4 is on the minus strand). VCF-style: chr1-5874979-G-A. GRCh37 (hg19) VCF-style: chr1-5935039-G-A.
Other names: c.2939C>T (NM_015102.3); c.1400C>T, p.Thr467Met (NM_001291593.2); c.1403C>T, p.Thr468Met (NM_001291594.2); short protein forms T980M, T468M, T467M.
Identifiers: ClinVar variation 289035 (VCV000289035.39), dbSNP rs199645515, ClinGen allele CA553868.